The following is an entry in ClinVar:

NM_001369.3(DNAH5):c.8862G>T (p.Leu2954=)

Gene: DNAH5 (dynein axonemal heavy chain 5; minus strand). Cytogenetic location: 5p15.2.
Variant type: single nucleotide variant.
Coding change: c.8862G>T on transcript NM_001369.3 (MANE Select); coding-DNA position 8862, G replaced by T.
Protein change: p.Leu2954=; no amino-acid change (leucine 2954 retained).
Molecular consequence: synonymous variant.
Genome position (GRCh38, 1-based): chr5:13,780,918, C>A on the plus strand (G>T on the coding strand, the complement: DNAH5 is on the minus strand). VCF-style: chr5-13780918-C-A. GRCh37 (hg19) VCF-style: chr5-13781027-C-A.
Identifiers: ClinVar variation 414346 (VCV000414346.26), dbSNP rs145381989, ClinGen allele CA3202687.
Genomic context (GRCh38, chr5:13,780,918, plus strand): 5'-GCCAGCAATGAATGAAGCCAACCTCGTCAGGCTCTGCTTTCCTGATCCGCCCACCCCGAC[C>A]AGGAGGGCATTTCCCTGAGGAGTACGAATGACACGAGAGATCTGTAATATGGAACAGAAA-3'
Protein context (NP_001360.1, residues 2944-2964): VIRTPQGNAL[Leu2954=]VGVGGSGKQS

ClinVar aggregate classification (germline): Benign/Likely benign. Review status: criteria provided, multiple submitters, no conflicts (2 of 4 stars). 4 submissions from 4 submitters: Benign (1); Likely benign (2). 1 of the submissions does not count toward it. Last evaluated 2026-01-24.

Conditions:
DNAH5-related disorder. Also called: DNAH5-related condition.
Primary ciliary dyskinesia. Also called: Ciliary dyskinesia. Identifiers: Orphanet 244, MedGen C0008780, MONDO:0016575, HP:0012265.

Allele frequency attached by ClinVar (database versions not stated): gnomAD exomes 0.00010 and 0.00022; ExAC 0.00030; 1000 Genomes Project 30x 0.00031; 1000 Genomes Project 0.00040; ESP Exome Variant Server 0.00085; gnomAD 0.00111 and 0.00118; TOPMed 0.00123.
gnomAD v4.1: 337 of 1,613,764 alleles (0.021%); highest among the groups gnomAD compares: African/African-American, 0.33%; 2 homozygotes.

Submissions (4):

Labcorp Genetics (formerly Invitae), Labcorp
Classification: Benign for Primary ciliary dyskinesia. Last evaluated: 2026-01-24. Review status: criteria provided, single submitter. Criteria: Invitae Variant Classification Sherloc (09022015). Collection method: clinical testing. Allele origin: germline.

Blueprint Genetics
Classification: Likely benign. Last evaluated: 2024-07-31. Review status: criteria provided, single submitter. Criteria: ACMG Guidelines, 2015. Collection method: clinical testing. Allele origin: germline.

Ambry Genetics
Classification: Likely benign for Primary ciliary dyskinesia. Last evaluated: 2015-08-07. Review status: criteria provided, single submitter. Criteria: Ambry Variant Classification Scheme 2023. Collection method: clinical testing. Allele origin: germline.

PreventionGenetics, part of Exact Sciences
Classification: Likely benign for DNAH5-related condition. Last evaluated: 2021-11-13. Review status: no assertion criteria provided. Collection method: clinical testing. Allele origin: germline. Not counted in ClinVar's aggregate classification.
Comment: This variant is classified as likely benign based on ACMG/AMP sequence variant interpretation guidelines (Richards et al. 2015 PMID: 25741868, with internal and published modifications).